The following is an entry in ClinVar:

ClinVar aggregate classification (germline): Uncertain significance. Review status: criteria provided, multiple submitters, no conflicts (2 of 4 stars). 2 submissions from 2 submitters: Uncertain significance (2). Last evaluated 2024-10-09.

Allele frequency attached by ClinVar (database versions not stated): TOPMed below 0.00001; gnomAD 0.00001.
gnomAD v4.1: 3 of 1,613,954 alleles (0.00019%); highest among the groups gnomAD compares: Non-Finnish European, 0.00025%; no homozygotes.

Submissions (2):

Revvity Omics, Revvity
Classification: Uncertain significance. Last evaluated: 2024-10-09. Review status: criteria provided, single submitter. Criteria: ACMG Guidelines, 2015. Collection method: clinical testing. Allele origin: germline.

Labcorp Genetics (formerly Invitae), Labcorp
Classification: Uncertain significance. Last evaluated: 2020-06-07. Review status: criteria provided, single submitter. Criteria: Invitae Variant Classification Sherloc (09022015). Collection method: clinical testing. Allele origin: germline.
Comment: This sequence change replaces threonine with asparagine at codon 289 of the TPP1 protein (p.Thr289Asn). The threonine residue is highly conserved and there is a small physicochemical difference between threonine and asparagine. This variant is not present in population databases (ExAC no frequency) and has not been reported in the literature in individuals with a TPP1-related disease. Algorithms developed to predict the effect of missense changes on protein structure and function do not agree on the potential impact of this missense change (SIFT: Tolerated; PolyPhen-2: Probably Damaging; Align-GVGD: Class C0). In summary, this variant is a novel missense change with uncertain impact on protein function. It has been classified as a Variant of Uncertain Significance.

NM_000391.4(TPP1):c.866C>A (p.Thr289Asn)

Gene: TPP1 (tripeptidyl peptidase 1; minus strand). Cytogenetic location: 11p15.4.
Variant type: single nucleotide variant.
Coding change: c.866C>A on transcript NM_000391.4 (MANE Select); coding-DNA position 866, C replaced by A.
Protein change: p.Thr289Asn; replaces threonine 289 with asparagine.
Molecular consequence: missense variant.
Genome position (GRCh38, 1-based): chr11:6,616,681, G>T on the plus strand (C>A on the coding strand, the complement: TPP1 is on the minus strand). VCF-style: chr11-6616681-G-T. GRCh37 (hg19) VCF-style: chr11-6637912-G-T.
Other names: short protein forms T289N.
Identifiers: ClinVar variation 457948 (VCV000457948.5), dbSNP rs1426277822, ClinGen allele CA379474880.